The following is an entry in ClinVar:

NM_001174150.2(ARL13B):c.487G>C (p.Glu163Gln)

Gene: ARL13B (ARF like GTPase 13B; plus strand). Cytogenetic location: 3q11.2.
Variant type: single nucleotide variant.
Coding change: c.487G>C on transcript NM_001174150.2 (MANE Select); coding-DNA position 487, G replaced by C.
Protein change: p.Glu163Gln; replaces glutamic acid 163 with glutamine.
Molecular consequence: missense variant. On other transcripts: non-coding transcript variant (2).
Genome position (GRCh38, 1-based): chr3:94,036,552, G>C. VCF-style: chr3-94036552-G-C. GRCh37 (hg19) VCF-style: chr3-93755396-G-C.
Other names: c.178G>C, p.Glu60Gln (NM_001174151.2); c.442G>C, p.Glu148Gln (NM_001321328.2); c.487G>C, p.Glu163Gln (NM_001410782.1, NM_182896.3); c.166G>C, p.Glu56Gln (NM_144996.4); short protein forms E56Q, E148Q, E163Q, E60Q.
Identifiers: ClinVar variation 2153372 (VCV002153372.4), dbSNP rs1191508607, ClinGen allele CA353678100.

ClinVar aggregate classification (germline): Uncertain significance (1 of 4 stars; one submission).

Conditions:
Joubert syndrome 8 (JBTS8). Identifiers: Orphanet 475, MedGen C2676771, MONDO:0012855, OMIM 612291.

Allele frequency attached by ClinVar (database versions not stated): gnomAD exomes below 0.00001.
gnomAD v4.1: 3 of 1,613,706 alleles (0.00019%); highest among the groups gnomAD compares: Non-Finnish European, 0.00025%; no homozygotes.

Submission:

Labcorp Genetics (formerly Invitae), Labcorp
Classification: Uncertain significance for Joubert syndrome 8. Last evaluated: 2022-07-14. Review status: criteria provided, single submitter. Criteria: Invitae Variant Classification Sherloc (09022015). Collection method: clinical testing. Allele origin: germline.
Comment: This sequence change replaces glutamic acid, which is acidic and polar, with glutamine, which is neutral and polar, at codon 163 of the ARL13B protein (p.Glu163Gln). This variant is not present in population databases (gnomAD no frequency). This variant has not been reported in the literature in individuals affected with ARL13B-related conditions. Algorithms developed to predict the effect of missense changes on protein structure and function are either unavailable or do not agree on the potential impact of this missense change (SIFT: "Tolerated"; PolyPhen-2: "Probably Damaging"; Align-GVGD: "Class C0"). In summary, the available evidence is currently insufficient to determine the role of this variant in disease. Therefore, it has been classified as a Variant of Uncertain Significance.